The following is an entry in ClinVar:

ClinVar aggregate classification (germline): Uncertain significance. Review status: criteria provided, multiple submitters, no conflicts (2 of 4 stars). 3 submissions from 3 submitters: Uncertain significance (3). Last evaluated 2023-01-31.

Conditions:
KBG syndrome (KBGS). Also called: ANKRD11-Related KBG Syndrome. Identifiers: Orphanet 2332, MedGen C0220687, MONDO:0007846, OMIM 148050.
Inborn genetic diseases. Identifiers: MedGen C0950123, MeSH D030342.
ANKRD11-related disorder. Also called: ANKRD11-related condition.

Allele frequency attached by ClinVar (database versions not stated): gnomAD exomes 0.00001; TOPMed 0.00001.

Submissions (3):

PreventionGenetics, part of Exact Sciences
Classification: Uncertain significance for ANKRD11-related condition. Last evaluated: 2023-01-31. Review status: criteria provided, single submitter. Criteria: ACMG Guidelines, 2015. Collection method: clinical testing. Allele origin: germline.
Comment: The ANKRD11 c.1875G>C variant is predicted to result in the amino acid substitution p.Glu625Asp. To our knowledge, this variant has not been reported in the literature. This variant is reported in 0.0023% of alleles in individuals of European (Non-Finnish) descent in gnomAD. At this time, the clinical significance of this variant is uncertain due to the absence of conclusive functional and genetic evidence.

Ambry Genetics
Classification: Uncertain significance for Inborn genetic diseases. Last evaluated: 2021-08-12. Review status: criteria provided, single submitter. Criteria: Ambry Variant Classification Scheme 2023. Collection method: clinical testing. Allele origin: germline.

Labcorp Genetics (formerly Invitae), Labcorp
Classification: Uncertain significance for KBG syndrome. Last evaluated: 2021-05-28. Review status: criteria provided, single submitter. Criteria: Invitae Variant Classification Sherloc (09022015). Collection method: clinical testing. Allele origin: germline.
Comment: In summary, the available evidence is currently insufficient to determine the role of this variant in disease. Therefore, it has been classified as a Variant of Uncertain Significance. Advanced modeling of protein sequence and biophysical properties (such as structural, functional, and spatial information, amino acid conservation, physicochemical variation, residue mobility, and thermodynamic stability) performed at Invitae indicates that this missense variant is not expected to disrupt ANKRD11 protein function. This variant has not been reported in the literature in individuals with ANKRD11-related conditions. This variant is not present in population databases (ExAC no frequency). This sequence change replaces glutamic acid with aspartic acid at codon 625 of the ANKRD11 protein (p.Glu625Asp). The glutamic acid residue is highly conserved and there is a small physicochemical difference between glutamic acid and aspartic acid.

NM_013275.6(ANKRD11):c.1875G>C (p.Glu625Asp)

Gene: ANKRD11 (ankyrin repeat domain 11; minus strand). Cytogenetic location: 16q24.3.
Variant type: single nucleotide variant.
Coding change: c.1875G>C on transcript NM_013275.6 (MANE Select); coding-DNA position 1875, G replaced by C.
Protein change: p.Glu625Asp; replaces glutamic acid 625 with aspartic acid.
Molecular consequence: missense variant.
Genome position (GRCh38, 1-based): chr16:89,284,667, C>G on the plus strand (G>C on the coding strand, the complement: ANKRD11 is on the minus strand). VCF-style: chr16-89284667-C-G. GRCh37 (hg19) VCF-style: chr16-89351075-C-G.
Other names: c.1875G>C, p.Glu625Asp (NM_001256182.2, NM_001256183.2); c.1875G>C (NM_013275.5, NM_013275.4); short protein forms E625D.
Identifiers: ClinVar variation 1370906 (VCV001370906.9), dbSNP rs1267173254, ClinGen allele CA397163726.